The following is an entry in ClinVar:

NM_033641.4(COL4A6):c.4408G>A (p.Val1470Ile)

Gene: COL4A6 (collagen type IV alpha 6 chain; minus strand). Cytogenetic location: Xq22.3.
Variant type: single nucleotide variant.
Coding change: c.4408G>A on transcript NM_033641.4 (MANE Select); coding-DNA position 4408, G replaced by A.
Protein change: p.Val1470Ile; replaces valine 1470 with isoleucine.
Molecular consequence: missense variant.
Genome position (GRCh38, 1-based): chrX:108,160,580, C>T on the plus strand (G>A on the coding strand, the complement: COL4A6 is on the minus strand). VCF-style: chrX-108160580-C-T. GRCh37 (hg19) VCF-style: chrX-107403810-C-T.
Other names: c.4459G>A, p.Val1487Ile (NM_001287758.2); c.4336G>A, p.Val1446Ile (NM_001287759.2); c.4237G>A, p.Val1413Ile (NM_001287760.2); c.4411G>A, p.Val1471Ile (NM_001847.4); short protein forms V1471I, V1413I, V1487I, V1446I, V1470I.
Identifiers: ClinVar variation 2187651 (VCV002187651.4), dbSNP rs745597196, ClinGen allele CA10487193.

ClinVar aggregate classification (germline): Uncertain significance (1 of 4 stars; one submission).

Allele frequency attached by ClinVar (database versions not stated): ExAC 0.00001.

Submission:

Labcorp Genetics (formerly Invitae), Labcorp
Classification: Uncertain significance. Last evaluated: 2022-04-01. Review status: criteria provided, single submitter. Criteria: Invitae Variant Classification Sherloc (09022015). Collection method: clinical testing. Allele origin: germline.
Comment: In summary, the available evidence is currently insufficient to determine the role of this variant in disease. Therefore, it has been classified as a Variant of Uncertain Significance. Algorithms developed to predict the effect of missense changes on protein structure and function are either unavailable or do not agree on the potential impact of this missense change (SIFT: "Deleterious"; PolyPhen-2: "Benign"; Align-GVGD: "Class C25"). This variant has not been reported in the literature in individuals affected with COL4A6-related conditions. This variant is present in population databases (rs745597196, gnomAD 0.008%). This sequence change replaces valine, which is neutral and non-polar, with isoleucine, which is neutral and non-polar, at codon 1471 of the COL4A6 protein (p.Val1471Ile).